The following is an entry in ClinVar:

ClinVar aggregate classification (germline): Likely benign. Review status: criteria provided, multiple submitters, no conflicts (2 of 4 stars). 4 submissions from 4 submitters: Likely benign (4). Last evaluated 2026-01-24.

Allele frequency attached by ClinVar (database versions not stated): 1000 Genomes Project 30x 0.00094; 1000 Genomes Project 0.00100; gnomAD 0.00115 and 0.00118; TOPMed 0.00121; gnomAD exomes 0.00130 and 0.00189; ExAC 0.00137; ESP Exome Variant Server 0.00154.
gnomAD v4.1: 2,924 of 1,614,220 alleles (0.18%); highest among the groups gnomAD compares: Non-Finnish European, 0.22%; 3 homozygotes.

Submissions (4):

Labcorp Genetics (formerly Invitae), Labcorp
Classification: Likely benign. Last evaluated: 2026-01-24. Review status: criteria provided, single submitter. Criteria: Invitae Variant Classification Sherloc (09022015). Collection method: clinical testing. Allele origin: germline.

CeGaT Center for Human Genetics Tuebingen
Classification: Likely benign. Last evaluated: 2025-04-01. Review status: criteria provided, single submitter. Criteria: CeGaT Center For Human Genetics Tuebingen Variant Classification Criteria Version 2. Collection method: clinical testing. Allele origin: germline. Affected: yes. Observed: 1 variant allele.
Comment: QRSL1: BS2

Blueprint Genetics
Classification: Likely benign. Last evaluated: 2024-11-17. Review status: criteria provided, single submitter. Criteria: ACMG Guidelines, 2015. Collection method: clinical testing. Allele origin: germline.

Breakthrough Genomics
Classification: Likely benign. Review status: criteria provided, single submitter. Criteria: ACMG Guidelines, 2015. Collection method: not provided. Allele origin: germline. Inheritance: Autosomal recessive inheritance. Affected: yes.

NM_018292.5(QRSL1):c.686T>G (p.Val229Gly)

Gene: QRSL1 (glutaminyl-tRNA amidotransferase subunit QRSL1; plus strand). Cytogenetic location: 6q21.
Variant type: single nucleotide variant.
Coding change: c.686T>G on transcript NM_018292.5 (MANE Select); coding-DNA position 686, T replaced by G.
Protein change: p.Val229Gly; replaces valine 229 with glycine.
Molecular consequence: missense variant.
Genome position (GRCh38, 1-based): chr6:106,652,337, T>G. VCF-style: chr6-106652337-T-G. GRCh37 (hg19) VCF-style: chr6-107100212-T-G.
Other names: short protein forms V229G.
Identifiers: ClinVar variation 1560114 (VCV001560114.17), dbSNP rs144555270, ClinGen allele CA3944828.